The following is an entry in ClinVar:

ClinVar aggregate classification (germline): Likely pathogenic (1 of 4 stars; one submission).

Conditions:
Pelizaeus-Merzbacher disease. Also called: LEUKODYSTROPHY, HYPOMYELINATING, 1; Sudanophilic leukodystrophy; Pelizaeus-Merzbacher spectrum disorder; Pelizaeus-Merzbacher Disease (PMD); Pelizeaus-Merzbacher spectrum disorder. Identifiers: Orphanet 702, MedGen C0205711, MONDO:0010714, OMIM 312080, HP:0003269.

Submission:

Molecular Diagnostics Lab, Nemours Children's Health, Delaware
Classification: Likely pathogenic for Pelizaeus-Merzbacher disease. Last evaluated: 2024-07-08. Review status: criteria provided, single submitter. Criteria: ACMG Guidelines, 2015. Collection method: clinical testing. Allele origin: unknown. Inheritance: X-linked inheritance. Affected: yes. Observed: 1 hemizygote.
Comment: This missense variant (c.56T>C, p.Leu19Pro) has not been observed in population databases (gnomAD). It has not been described in the literature. Variant prediction programs support a deleterious effect on the protein, although no functional studies have been published.

NM_000533.5(PLP1):c.56T>C (p.Leu19Pro)

Genes: PLP1 (proteolipid protein 1; plus strand), RAB9B (RAB9B, member RAS oncogene family; minus strand). Cytogenetic location: Xq22.2.
Variant type: single nucleotide variant.
Coding change: c.56T>C on transcript NM_000533.5 (MANE Select); coding-DNA position 56, T replaced by C.
Protein change: p.Leu19Pro; replaces leucine 19 with proline.
Molecular consequence: missense variant. On other transcripts: intron variant (1).
Genome position (GRCh38, 1-based): chrX:103,785,633, T>C. VCF-style: chrX-103785633-T-C. GRCh37 (hg19) VCF-style: chrX-103040562-T-C.
Other names: c.56T>C, p.Leu19Pro (NM_001128834.3, NM_199478.3); c.5-114T>C (NM_001305004.1); short protein forms L19P.
Identifiers: ClinVar variation 3255439 (VCV003255439.1), dbSNP rs2522301062.